The following is an entry in ClinVar:

NM_003476.5(CSRP3):c.113-2A>C

Gene: CSRP3 (cysteine and glycine rich protein 3; minus strand). Cytogenetic location: 11p15.1.
Variant type: single nucleotide variant.
Coding change: c.113-2A>C on transcript NM_003476.5 (MANE Select); the canonical splice acceptor site of the intron before coding-DNA position 113, A replaced by C.
Molecular consequence: splice acceptor variant. On other transcripts: intron variant (1).
Genome position (GRCh38, 1-based): chr11:19,188,306, T>G on the plus strand (A>C on the coding strand, the complement: CSRP3 is on the minus strand). VCF-style: chr11-19188306-T-G. GRCh37 (hg19) VCF-style: chr11-19209853-T-G.
Other names: c.113-1958A>C (NM_001369404.1).
Identifiers: ClinVar variation 3254737 (VCV003254737.1), dbSNP rs1850562691.
Genomic context (GRCh38, chr11:19,188,306, plus strand): 5'-GTAGATCTCCGACTCATGAGCCGCGACTGTCGTGCTGTCAAGAGCCTTCCTGCAGGCCAC[T>G]GCCAGGAAAAGGAAGGGTCATGGGATTGGAATTGAAATCCTTCTCCCCTTCTTTGCACTC-3'

ClinVar aggregate classification (germline): Uncertain significance (1 of 4 stars; one submission).

Conditions:
Hypertrophic cardiomyopathy 12. Identifiers: MedGen C2677491, MONDO:0012804, OMIM 612124.

Submission:

Victorian Clinical Genetics Services, Murdoch Childrens Research Institute
Classification: Uncertain significance for Hypertrophic cardiomyopathy 12. Last evaluated: 2023-07-17. Review status: criteria provided, single submitter. Criteria: ACMG Guidelines, 2015. Collection method: clinical testing. Allele origin: germline. Inheritance: Autosomal dominant inheritance. Affected: yes.
Comment: Based on the classification scheme VCGS_Germline_v1.3.4, this variant is classified as VUS-3A. Following criteria are met: 0105 - The mechanism of disease for this gene is not clearly established. However, missense, nonsense and frameshift variants with some evidence for pathogenicity have been reported (ClinGen). (I) 0107 - This gene is associated with autosomal dominant disease. (I) 0211 - Canonical splice site variant without proven consequence on splicing (no functional evidence available). (SP) 0251 - This variant is heterozygous. (I) 0301 - Variant is absent from gnomAD (both v2 and v3). (SP) 0505 - Abnormal splicing is predicted by in silico tools and affected nucleotide is highly conserved. (SP) 0710 - Other splice site variants comparable to the one identified in this case have inconclusive previous evidence for pathogenicity. c.113-2A>G and c.113-3C>T have been reported as VUS, the latter has been reported in an affected individual analysed with a HCM panel (LOVD, ClinVar). (I) 0807 - This variant has no previous evidence of pathogenicity. (I) 0905 - No published segregation evidence has been identified for this variant. (I) 1007 - No published functional evidence has been identified for this variant. (I) 1208 - Inheritance information for this variant is not currently available in this individual. (I) Legend: (SP) - Supporting pathogenic, (I) - Information, (SB) - Supporting benign